The following is an entry in ClinVar:

NM_001264.5(CDSN):c.140G>C (p.Arg47Pro)

Genes: CDSN (corneodesmosin; minus strand), PSORS1C1 (psoriasis susceptibility 1 candidate 1; plus strand). Cytogenetic location: 6p21.33.
Variant type: single nucleotide variant.
Coding change: c.140G>C on transcript NM_001264.5 (MANE Select); coding-DNA position 140, G replaced by C.
Protein change: p.Arg47Pro; replaces arginine 47 with proline.
Molecular consequence: missense variant. On other transcripts: intron variant (1).
Genome position (GRCh38, 1-based): chr6:31,117,475, C>G on the plus strand (G>C on the coding strand, the complement: CDSN is on the minus strand). VCF-style: chr6-31117475-C-G. GRCh37 (hg19) VCF-style: chr6-31085252-C-G.
Other names: c.-229+2584C>G (NM_014068.3); short protein forms R47P.
Identifiers: ClinVar variation 3654895 (VCV003654895.2).

ClinVar aggregate classification (germline): Uncertain significance (1 of 4 stars; one submission).

gnomAD v4.1: 2 of 1,553,032 alleles (0.00013%); highest among the groups gnomAD compares: Non-Finnish European, 0.00017%; no homozygotes.

Submission:

Labcorp Genetics (formerly Invitae), Labcorp
Classification: Uncertain significance. Last evaluated: 2024-08-16. Review status: criteria provided, single submitter. Criteria: Invitae Variant Classification Sherloc (09022015). Collection method: clinical testing. Allele origin: germline.
Comment: This sequence change replaces arginine, which is basic and polar, with proline, which is neutral and non-polar, at codon 47 of the CDSN protein (p.Arg47Pro). This variant is not present in population databases (gnomAD no frequency). This variant has not been reported in the literature in individuals affected with CDSN-related conditions. Invitae Evidence Modeling of protein sequence and biophysical properties (such as structural, functional, and spatial information, amino acid conservation, physicochemical variation, residue mobility, and thermodynamic stability) has been performed for this missense variant. However, the output from this modeling did not meet the statistical confidence thresholds required to predict the impact of this variant on CDSN protein function. In summary, the available evidence is currently insufficient to determine the role of this variant in disease. Therefore, it has been classified as a Variant of Uncertain Significance.